The following is an entry in ClinVar:

NM_005228.5(EGFR):c.230C>T (p.Ser77Phe)

Gene: EGFR (epidermal growth factor receptor; plus strand). Cytogenetic location: 7p11.2.
Variant type: single nucleotide variant.
Coding change: c.230C>T on transcript NM_005228.5 (MANE Select); coding-DNA position 230, C replaced by T.
Protein change: p.Ser77Phe; replaces serine 77 with phenylalanine.
Molecular consequence: missense variant. On other transcripts: intron variant (1).
Genome position (GRCh38, 1-based): chr7:55,142,427, C>T. VCF-style: chr7-55142427-C-T. GRCh37 (hg19) VCF-style: chr7-55210120-C-T.
Other names: c.230C>T, p.Ser77Phe (NM_001346897.2, NM_001346898.2, NM_001346899.2 and 3 more transcripts); c.71C>T, p.Ser24Phe (NM_001346900.2); c.89-13403C>T (NM_001346941.2); short protein forms S77F, S24F.
Identifiers: ClinVar variation 4016812 (VCV004016812.1).
Genomic context (GRCh38, chr7:55,142,427, plus strand): 5'-ACTGTGAGGTGGTCCTTGGGAATTTGGAAATTACCTATGTGCAGAGGAATTATGATCTTT[C>T]CTTCTTAAAGGTTGGTGACTTTGATTTTCCTACACAAATAAAATTGGAGAAAATCTAAGT-3'
Protein context (NP_005219.2, residues 67-87): ITYVQRNYDL[Ser77Phe]FLKTIQEVAG

ClinVar aggregate classification (germline): Uncertain significance (1 of 4 stars; one submission).

Conditions:
Hereditary cancer-predisposing syndrome. Also called: Tumor predisposition; Hereditary neoplastic syndrome; Neoplastic Syndromes, Hereditary; Hereditary Cancer Syndrome. Identifiers: Orphanet 140162, MedGen C0027672, MeSH D009386, MONDO:0015356.

Submission:

Ambry Genetics
Classification: Uncertain significance for Hereditary cancer-predisposing syndrome. Last evaluated: 2025-06-12. Review status: criteria provided, single submitter. Criteria: Ambry Variant Classification Scheme 2023. Collection method: clinical testing. Allele origin: germline.
Comment: The p.S77F variant (also known as c.230C>T), located in coding exon 2 of the EGFR gene, results from a C to T substitution at nucleotide position 230. The serine at codon 77 is replaced by phenylalanine, an amino acid with highly dissimilar properties. This amino acid position is conserved. In addition, this alteration is predicted to be deleterious by in silico analysis. Based on the available evidence, the clinical significance of this variant remains unclear.